The following is an entry in ClinVar:

NM_139215.3(TAF15):c.1009C>T (p.Arg337Cys)

Gene: TAF15 (TATA-box binding protein associated factor 15; plus strand). Cytogenetic location: 17q12.
Variant type: single nucleotide variant.
Coding change: c.1009C>T on transcript NM_139215.3 (MANE Select); coding-DNA position 1009, C replaced by T.
Protein change: p.Arg337Cys; replaces arginine 337 with cysteine.
Molecular consequence: missense variant.
Genome position (GRCh38, 1-based): chr17:35,844,079, C>T. VCF-style: chr17-35844079-C-T. GRCh37 (hg19) VCF-style: chr17-34171083-C-T.
Other names: c.1000C>T, p.Arg334Cys (NM_003487.4); short protein forms R334C, R337C.
Identifiers: ClinVar variation 3351482 (VCV003351482.1).
Genomic context (GRCh38, chr17:35,844,079, plus strand): 5'-TTCTTCTGTTTTGTTAATATCTGCTGCTGATTTTTCTCCCCTGGCCCCATCCCCCTAGGC[C>T]GTGGAGGATATAGAGGTCGTGGAGGCTTTCAAGGGAGAGGTGGAGACCCCAAAAGTGGGG-3'
Protein context (NP_631961.1, residues 327-347): GGGSGGGRRG[Arg337Cys]GGYRGRGGFQ

ClinVar aggregate classification (germline): Uncertain significance (0 of 4 stars; one submission).

Conditions:
TAF15-related disorder. Also called: TAF15-related condition.

gnomAD v4.1: 19 of 1,613,898 alleles (0.0012%); highest among the groups gnomAD compares: Middle Eastern, 0.016%; no homozygotes.

Submission:

PreventionGenetics, part of Exact Sciences
Classification: Uncertain significance for TAF15-related condition. Last evaluated: 2024-04-02. Review status: no assertion criteria provided. Collection method: clinical testing. Allele origin: germline.
Comment: The TAF15 c.1009C>T variant is predicted to result in the amino acid substitution p.Arg337Cys. To our knowledge, this variant has not been reported in the literature. This variant is reported in 0.00077% of alleles in individuals of European (Non-Finnish) descent in gnomAD. At this time, the clinical significance of this variant is uncertain due to the absence of conclusive functional and genetic evidence.